The following is an entry in ClinVar:

NM_001037333.3(CYFIP2):c.285+5G>C

Gene: CYFIP2 (cytoplasmic FMR1 interacting protein 2; plus strand). Cytogenetic location: 5q33.3.
Variant type: single nucleotide variant.
Coding change: c.285+5G>C on transcript NM_001037333.3 (MANE Select); 5 bases into the intron after coding-DNA position 285, G replaced by C.
Molecular consequence: intron variant.
Genome position (GRCh38, 1-based): chr5:157,294,865, G>C. VCF-style: chr5-157294865-G-C. GRCh37 (hg19) VCF-style: chr5-156721873-G-C.
Other names: c.285+5G>C (NM_001291722.2, NM_014376.4); c.208-1808G>C (NM_001291721.2).
Identifiers: ClinVar variation 2150419 (VCV002150419.4), dbSNP rs368509143, ClinGen allele CA3533310.

ClinVar aggregate classification (germline): Uncertain significance (1 of 4 stars; one submission).

Allele frequency attached by ClinVar (database versions not stated): ExAC 0.00001; gnomAD 0.00001; TOPMed 0.00001; ESP Exome Variant Server 0.00008.
gnomAD v4.1: 3 of 1,612,186 alleles (0.00019%); highest among the groups gnomAD compares: Non-Finnish European, 0.00025%; no homozygotes.

Submission:

Labcorp Genetics (formerly Invitae), Labcorp
Classification: Uncertain significance. Last evaluated: 2022-05-19. Review status: criteria provided, single submitter. Criteria: Invitae Variant Classification Sherloc (09022015). Collection method: clinical testing. Allele origin: germline.
Comment: This sequence change falls in intron 4 of the CYFIP2 gene. It does not directly change the encoded amino acid sequence of the CYFIP2 protein. The frequency data for this variant in the population databases is considered unreliable, as metrics indicate poor data quality at this position in the gnomAD database. This variant has not been reported in the literature in individuals affected with CYFIP2-related conditions. Algorithms developed to predict the effect of sequence changes on RNA splicing suggest that this variant may disrupt the consensus splice site. In summary, the available evidence is currently insufficient to determine the role of this variant in disease. Therefore, it has been classified as a Variant of Uncertain Significance.